The following is an entry in ClinVar:

ClinVar aggregate classification (germline): Uncertain significance. Review status: criteria provided, multiple submitters, no conflicts (2 of 4 stars). 4 submissions from 4 submitters: Uncertain significance (4). Last evaluated 2024-11-25.

Conditions:
Hereditary cancer-predisposing syndrome. Also called: Neoplastic Syndromes, Hereditary; Tumor predisposition; Hereditary neoplastic syndrome; Hereditary Cancer Syndrome. Identifiers: Orphanet 140162, MedGen C0027672, MeSH D009386, MONDO:0015356.
Familial cancer of breast. Also called: BREAST CANCER, FAMILIAL; Hereditary breast cancer; hereditary breast carcinoma. Identifiers: Orphanet 227535, MedGen C0346153, MONDO:0016419, OMIM 114480. Disease mechanism: loss of function.
CHEK2-related cancer predisposition (TPDS4). Also called: TUMOR PREDISPOSITION SYNDROME 4; CANCER PREDISPOSITION SYNDROME, CHEK2-RELATED; CHEK2-related cancer susceptibility. Identifiers: Orphanet 524, MedGen C5882668, MONDO:0700271, OMIM 609265.

Submissions (4):

Labcorp Genetics (formerly Invitae), Labcorp
Classification: Uncertain significance for Familial cancer of breast. Last evaluated: 2024-11-25. Review status: criteria provided, single submitter. Criteria: Invitae Variant Classification Sherloc (09022015). Collection method: clinical testing. Allele origin: germline.
Comment: This sequence change replaces methionine, which is neutral and non-polar, with lysine, which is basic and polar, at codon 222 of the CHEK2 protein (p.Met222Lys). This variant is not present in population databases (gnomAD no frequency). This variant has not been reported in the literature in individuals affected with CHEK2-related conditions. ClinVar contains an entry for this variant (Variation ID: 826538). An algorithm developed to predict the effect of missense changes on protein structure and function (PolyPhen-2) suggests that this variant is likely to be tolerated. In summary, the available evidence is currently insufficient to determine the role of this variant in disease. Therefore, it has been classified as a Variant of Uncertain Significance.

Baylor Genetics
Classification: Uncertain significance for CHEK2-related cancer predisposition. Last evaluated: 2022-02-03. Review status: criteria provided, single submitter. Criteria: ACMG Guidelines, 2015. Collection method: clinical testing. Allele origin: maternal. Affected: yes. Study: CSER-TexasKidsCanSeq.
Comment: This variant was determined to be of uncertain significance according to ACMG Guidelines, 2015 [PMID:25741868].

Ambry Genetics
Classification: Uncertain significance for Hereditary cancer-predisposing syndrome. Last evaluated: 2019-09-04. Review status: criteria provided, single submitter. Criteria: Ambry Variant Classification Scheme 2023. Collection method: clinical testing. Allele origin: germline.
Comment: The p.M222K variant (also known as c.665T>A), located in coding exon 4 of the CHEK2 gene, results from a T to A substitution at nucleotide position 665. The methionine at codon 222 is replaced by lysine, an amino acid with similar properties. This amino acid position is not well conserved in available vertebrate species. In addition, the in silico prediction for this alteration is inconclusive. Since supporting evidence is limited at this time, the clinical significance of this alteration remains unclear.

GeneDx
Classification: Uncertain significance. Last evaluated: 2019-08-11. Review status: criteria provided, single submitter. Criteria: GeneDx Variant Classification Process June 2021. Collection method: clinical testing. Allele origin: germline. Affected: yes.
Comment: Not observed in large population cohorts (Lek 2016); In silico analysis, which includes protein predictors and evolutionary conservation, supports a deleterious effect; Has not been previously published as pathogenic or benign to our knowledge

NM_007194.4(CHEK2):c.665T>A (p.Met222Lys)

Gene: CHEK2 (checkpoint kinase 2; minus strand). Cytogenetic location: 22q12.1.
Variant type: single nucleotide variant.
Coding change: c.665T>A on transcript NM_007194.4 (MANE Select); coding-DNA position 665, T replaced by A.
Protein change: p.Met222Lys; replaces methionine 222 with lysine.
Molecular consequence: missense variant. On other transcripts: initiator codon variant (2), intron variant (1).
Genome position (GRCh38, 1-based): chr22:28,719,413, A>T on the plus strand (T>A on the coding strand, the complement: CHEK2 is on the minus strand). VCF-style: chr22-28719413-A-T. GRCh37 (hg19) VCF-style: chr22-29115401-A-T.
Other names: c.794T>A, p.Met265Lys (NM_001005735.3, NM_001438294.1); c.2T>A, p.Met1Lys (NM_001257387.3, NM_001437942.1); c.758T>A, p.Met253Lys (NM_001438293.1, NM_001438295.1); c.665T>A, p.Met222Lys (NM_145862.3); c.482+5473T>A (NM_001349956.3); short protein forms M222K, M1K, M265K, M253K.
Identifiers: ClinVar variation 826538 (VCV000826538.17), dbSNP rs775134484, ClinGen allele CA411104898.